The following is an entry in ClinVar:

NM_001283009.2(RTEL1):c.3229A>T (p.Ser1077Cys)

Genes: RTEL1 (regulator of telomere elongation helicase 1; plus strand), RTEL1-TNFRSF6B (RTEL1-TNFRSF6B readthrough (NMD candidate); plus strand). Cytogenetic location: 20q13.33.
Variant type: single nucleotide variant.
Coding change: c.3229A>T on transcript NM_001283009.2 (MANE Select); coding-DNA position 3229, A replaced by T.
Protein change: p.Ser1077Cys; replaces serine 1077 with cysteine.
Molecular consequence: missense variant. On other transcripts: non-coding transcript variant (1).
Genome position (GRCh38, 1-based): chr20:63,694,860, A>T. VCF-style: chr20-63694860-A-T. GRCh37 (hg19) VCF-style: chr20-62326213-A-T.
Other names: c.2560A>T, p.Ser854Cys (NM_001283010.1); c.3229A>T, p.Ser1077Cys (NM_016434.4); c.3301A>T, p.Ser1101Cys (NM_032957.5); short protein forms S1101C, S854C, S1077C.
Identifiers: ClinVar variation 4785808 (VCV004785808.1).

ClinVar aggregate classification (germline): Uncertain significance (1 of 4 stars; one submission).

Conditions:
Dyskeratosis congenita, autosomal recessive 5 (DKCB5). Identifiers: MedGen C3554656, MONDO:0014076, OMIM 615190.
Pulmonary fibrosis and/or bone marrow failure, Telomere-related, 3. Also called: PULMONARY FIBROSIS AND/OR BONE MARROW FAILURE SYNDROME, TELOMERE-RELATED, 3. Identifiers: Orphanet 2032, MedGen C4225346, MONDO:0014613, OMIM 616373.

Submission:

Labcorp Genetics (formerly Invitae), Labcorp
Classification: Uncertain significance for Dyskeratosis congenita, autosomal recessive 5; Pulmonary fibrosis and/or bone marrow failure, Telomere-related, 3. Last evaluated: 2025-08-12. Review status: criteria provided, single submitter. Criteria: Invitae Variant Classification Sherloc (09022015). Collection method: clinical testing. Allele origin: germline.
Comment: This sequence change replaces serine, which is neutral and polar, with cysteine, which is neutral and slightly polar, at codon 1077 of the RTEL1 protein (p.Ser1077Cys). This variant is not present in population databases (gnomAD no frequency). This variant has not been reported in the literature in individuals affected with RTEL1-related conditions. An algorithm developed to predict the effect of missense changes on protein structure and function (PolyPhen-2) suggests that this variant is likely to be tolerated. In summary, the available evidence is currently insufficient to determine the role of this variant in disease. Therefore, it has been classified as a Variant of Uncertain Significance.